The following is an entry in ClinVar:

ClinVar aggregate classification (germline): Uncertain significance. Review status: criteria provided, multiple submitters, no conflicts (2 of 4 stars). 2 submissions from 2 submitters: Uncertain significance (2). Last evaluated 2023-11-04.

Conditions:
Hereditary cancer-predisposing syndrome. Also called: Neoplastic Syndromes, Hereditary; Tumor predisposition; Hereditary Cancer Syndrome; Hereditary neoplastic syndrome. Identifiers: Orphanet 140162, MedGen C0027672, MeSH D009386, MONDO:0015356.
Oligodontia-cancer predisposition syndrome. Also called: TOOTH AGENESIS-COLORECTAL CANCER SYNDROME. Identifiers: Orphanet 300576, MedGen C1837750, MONDO:0012075, OMIM 608615. Disease mechanism: loss of function.

Allele frequency attached by ClinVar (database versions not stated): gnomAD exomes below 0.00001.
gnomAD v4.1: 4 of 1,614,092 alleles (0.00025%); highest among the groups gnomAD compares: Non-Finnish European, 0.00034%; no homozygotes.

Submissions (2):

Labcorp Genetics (formerly Invitae), Labcorp
Classification: Uncertain significance for Oligodontia-cancer predisposition syndrome. Last evaluated: 2023-11-04. Review status: criteria provided, single submitter. Criteria: Invitae Variant Classification Sherloc (09022015). Collection method: clinical testing. Allele origin: germline.
Comment: This sequence change replaces glutamine, which is neutral and polar, with leucine, which is neutral and non-polar, at codon 569 of the AXIN2 protein (p.Gln569Leu). This variant is not present in population databases (gnomAD no frequency). This variant has not been reported in the literature in individuals affected with AXIN2-related conditions. ClinVar contains an entry for this variant (Variation ID: 1778449). Advanced modeling of protein sequence and biophysical properties (such as structural, functional, and spatial information, amino acid conservation, physicochemical variation, residue mobility, and thermodynamic stability) performed at Invitae indicates that this missense variant is not expected to disrupt AXIN2 protein function with a negative predictive value of 80%. In summary, the available evidence is currently insufficient to determine the role of this variant in disease. Therefore, it has been classified as a Variant of Uncertain Significance.

Ambry Genetics
Classification: Uncertain significance for Hereditary cancer-predisposing syndrome. Last evaluated: 2021-01-06. Review status: criteria provided, single submitter. Criteria: Ambry Variant Classification Scheme 2023. Collection method: clinical testing. Allele origin: germline.
Comment: The p.Q569L variant (also known as c.1706A>T), located in coding exon 5 of the AXIN2 gene, results from an A to T substitution at nucleotide position 1706. The glutamine at codon 569 is replaced by leucine, an amino acid with dissimilar properties. This amino acid position is poorly conserved in available vertebrate species. In addition, this alteration is predicted to be tolerated by in silico analysis. Since supporting evidence is limited at this time, the clinical significance of this alteration remains unclear.

NM_004655.4(AXIN2):c.1706A>T (p.Gln569Leu)

Gene: AXIN2 (axin 2; minus strand). Cytogenetic location: 17q24.1.
Variant type: single nucleotide variant.
Coding change: c.1706A>T on transcript NM_004655.4 (MANE Select); coding-DNA position 1706, A replaced by T.
Protein change: p.Gln569Leu; replaces glutamine 569 with leucine.
Molecular consequence: missense variant.
Genome position (GRCh38, 1-based): chr17:65,537,330, T>A on the plus strand (A>T on the coding strand, the complement: AXIN2 is on the minus strand). VCF-style: chr17-65537330-T-A. GRCh37 (hg19) VCF-style: chr17-63533448-T-A.
Other names: c.1706A>T, p.Gln569Leu (NM_001363813.1); short protein forms Q569L.
Identifiers: ClinVar variation 1778449 (VCV001778449.7), dbSNP rs2509411011, ClinGen allele CA400676792.
Genomic context (GRCh38, chr17:65,537,330, plus strand): 5'-ACCTGGCTGGGAGACAAGCCCCACACGGGACACTGCGGTCCGCCCGGCACTTACCCAAAC[T>A]GCTCGCTGGGCATGGTTTCCGGAGCCTTGGAGTGGCTTTTGCATTTCGAGTAGCAGTAAT-3'
Protein context (NP_004646.3, residues 559-579): SKAPETMPSE[Gln569Leu]FGGSRGSTLP